The following is an entry in ClinVar:

ClinVar aggregate classification (germline): Uncertain significance (1 of 4 stars; one submission).

Conditions:
Inborn genetic diseases. Identifiers: MedGen C0950123, MeSH D030342.

Submission:

Ambry Genetics
Classification: Uncertain significance for Inborn genetic diseases. Last evaluated: 2025-08-09. Review status: criteria provided, single submitter. Criteria: Ambry Variant Classification Scheme 2023. Collection method: clinical testing. Allele origin: germline.
Comment: The p.P866Q variant (also known as c.2597C>A), located in coding exon 21 of the KDM1A gene, results from a C to A substitution at nucleotide position 2597. The proline at codon 866 is replaced by glutamine, an amino acid with similar properties. This amino acid position is conserved. In addition, this alteration is predicted to be tolerated by in silico analysis. Based on the available evidence, the clinical significance of this variant remains unclear.

NM_001009999.3(KDM1A):c.2597C>A (p.Pro866Gln)

Gene: KDM1A (lysine demethylase 1A; plus strand). Cytogenetic location: 1p36.12.
Variant type: single nucleotide variant.
Coding change: c.2597C>A on transcript NM_001009999.3 (MANE Select); coding-DNA position 2597, C replaced by A.
Protein change: p.Pro866Gln; replaces proline 866 with glutamine.
Molecular consequence: missense variant. On other transcripts: 3 prime UTR variant (1).
Genome position (GRCh38, 1-based): chr1:23,083,330, C>A. VCF-style: chr1-23083330-C-A. GRCh37 (hg19) VCF-style: chr1-23409823-C-A.
Other names: c.2543C>A, p.Pro848Gln (NM_001363654.2); c.2603C>A, p.Pro868Gln (NM_001410762.1); c.*845C>A (NM_001410763.1); c.2525C>A, p.Pro842Gln (NM_015013.4); short protein forms P842Q, P848Q, P868Q, P866Q.
Identifiers: ClinVar variation 4091091 (VCV004091091.1).